The following is an entry in ClinVar:

NM_021072.4(HCN1):c.1333G>C (p.Asp445His)

Gene: HCN1 (hyperpolarization activated cyclic nucleotide gated potassium channel 1; minus strand). Cytogenetic location: 5p12.
Variant type: single nucleotide variant.
Coding change: c.1333G>C on transcript NM_021072.4 (MANE Select); coding-DNA position 1333, G replaced by C.
Protein change: p.Asp445His; replaces aspartic acid 445 with histidine.
Molecular consequence: missense variant.
Genome position (GRCh38, 1-based): chr5:45,353,144, C>G on the plus strand (G>C on the coding strand, the complement: HCN1 is on the minus strand). VCF-style: chr5-45353144-C-G. GRCh37 (hg19) VCF-style: chr5-45353246-C-G.
Other names: short protein forms D445H.
Identifiers: ClinVar variation 4076935 (VCV004076935.1).
Genomic context (GRCh38, chr5:45,353,144, plus strand): 5'-GGACAATAAATCTTACCTCTCTCAGAGGATCATTGAGTTCATTGAGAATATTTTCCTCAT[C>G]AAAGATTTTGCCTTGGTATCTGTGTTCATAGTAATCATGTATCTTCTGACGCATATCAGC-3'
Protein context (NP_066550.2, residues 435-455): YEHRYQGKIF[Asp445His]EENILNELND

ClinVar aggregate classification (germline): Uncertain significance (1 of 4 stars; one submission).

Submission:

GeneDx
Classification: Uncertain significance. Last evaluated: 2025-02-25. Review status: criteria provided, single submitter. Criteria: GeneDx Variant Classification Process June 2021. Collection method: clinical testing. Allele origin: germline. Affected: yes.
Comment: Not observed at significant frequency in large population cohorts (gnomAD); In silico analysis supports that this missense variant has a deleterious effect on protein structure/function; Has not been previously published as pathogenic or benign to our knowledge